The following is an entry in ClinVar:

ClinVar aggregate classification (germline): Uncertain significance (1 of 4 stars; one submission).

Conditions:
Ataxia-telangiectasia syndrome (AT). Also called: ATAXIA-TELANGIECTASIA, COMPLEMENTATION GROUP A; ATAXIA-TELANGIECTASIA, FRESNO VARIANT; Ataxia-telangiectasia, complementation group D; AT, COMPLEMENTATION GROUP C; Cerebello-oculocutaneous telangiectasia; Immunodeficiency with ataxia telangiectasia. Identifiers: Orphanet 100, MedGen C0004135, MONDO:0008840, OMIM 208900.

Submission:

Labcorp Genetics (formerly Invitae), Labcorp
Classification: Uncertain significance for Ataxia-telangiectasia syndrome. Last evaluated: 2020-03-09. Review status: criteria provided, single submitter. Criteria: Invitae Variant Classification Sherloc (09022015). Collection method: clinical testing. Allele origin: germline.
Comment: This variant is not present in population databases (ExAC no frequency). This sequence change replaces valine with alanine at codon 1063 of the ATM protein (p.Val1063Ala). The valine residue is moderately conserved and there is a small physicochemical difference between valine and alanine. This variant has not been reported in the literature in individuals with ATM-related conditions. Algorithms developed to predict the effect of missense changes on protein structure and function (SIFT, PolyPhen-2, Align-GVGD) all suggest that this variant is likely to be tolerated, but these predictions have not been confirmed by published functional studies and their clinical significance is uncertain. In summary, the available evidence is currently insufficient to determine the role of this variant in disease. Therefore, it has been classified as a Variant of Uncertain Significance.

NM_000051.4(ATM):c.3188T>C (p.Val1063Ala)

Gene: ATM (ATM serine/threonine kinase; plus strand). Cytogenetic location: 11q22.3.
Variant type: single nucleotide variant.
Coding change: c.3188T>C on transcript NM_000051.4 (MANE Select); coding-DNA position 3188, T replaced by C.
Protein change: p.Val1063Ala; replaces valine 1063 with alanine.
Molecular consequence: missense variant.
Genome position (GRCh38, 1-based): chr11:108,272,756, T>C. VCF-style: chr11-108272756-T-C. GRCh37 (hg19) VCF-style: chr11-108143483-T-C.
Other names: c.3188T>C, p.Val1063Ala (NM_001351834.2); short protein forms V1063A.
Identifiers: ClinVar variation 1045718 (VCV001045718.8), dbSNP rs2081661362, ClinGen allele CA382515672.